The following is an entry in ClinVar:

ClinVar aggregate classification (germline): Likely pathogenic (1 of 4 stars; one submission).

Conditions:
Alport syndrome. Also called: Hemorrhagic familial nephritis; Hemorrhagic hereditary nephritis; Congenital hereditary hematuria. Identifiers: Orphanet 63, MedGen C1567741, MONDO:0018965.

gnomAD v4.1: 1 of 1,614,184 alleles (0.000062%); highest among the groups gnomAD compares: East Asian, 0.0022%; no homozygotes.

Submission:

Natera, Inc.
Classification: Likely pathogenic for Alport syndrome. Last evaluated: 2026-01-28. Review status: criteria provided, single submitter. Criteria: Natera Variant Classification Schema (03/2026). Collection method: clinical testing. Allele origin: germline.
Comment: The c.3071G>A variant in COL4A4 is a missense variant predicted to cause substitution of glycine to glutamic acid at amino acid 1024. This variant is rare in the general population with a frequency below the threshold expected for the associated phenotype(s). This variant is located in a functionally critical region of the protein. Computational prediction algorithms indicate this variant is likely to affect gene or protein function. Given the available evidence, this variant is classified as Likely Pathogenic.

NM_000092.5(COL4A4):c.3071G>A (p.Gly1024Glu)

Gene: COL4A4 (collagen type IV alpha 4 chain; minus strand). Cytogenetic location: 2q36.3.
Variant type: single nucleotide variant.
Coding change: c.3071G>A on transcript NM_000092.5 (MANE Select); coding-DNA position 3071, G replaced by A.
Protein change: p.Gly1024Glu; replaces glycine 1024 with glutamic acid.
Molecular consequence: missense variant.
Genome position (GRCh38, 1-based): chr2:227,051,056, C>T on the plus strand (G>A on the coding strand, the complement: COL4A4 is on the minus strand). VCF-style: chr2-227051056-C-T. GRCh37 (hg19) VCF-style: chr2-227915772-C-T.
Other names: short protein forms G1024E.
Identifiers: ClinVar variation 4817323 (VCV004817323.1).
Genomic context (GRCh38, chr2:227,051,056, plus strand): 5'-GGAAAACCAATGAACCCTCTTAGACCAGTTGAGCCTGGAGGGCCTGGGGGTCCAGGAGGC[C>T]CTGGCTGACCTTTCTCACCAGGTTCCCCTCTGTGAAATCCAGGTGGTCCGTATCTTCCCG-3'
Protein context (NP_000083.3, residues 1014-1034): RGEPGEKGQP[Gly1024Glu]PPGPPGPPGS